The following is an entry in ClinVar:

ClinVar aggregate classification (germline): Uncertain significance (1 of 4 stars; one submission).

Conditions:
Very long chain acyl-CoA dehydrogenase deficiency (ACADVLD). Also called: Very Long-Chain Acyl-Coenzyme A Dehydrogenase Deficiency; VLCAD Deficiency. Identifiers: Orphanet 26793, MedGen C3887523, MONDO:0008723, OMIM 201475.

gnomAD v4.1: 4 of 1,614,246 alleles (0.00025%); highest among the groups gnomAD compares: Non-Finnish European, 0.00025%; no homozygotes.

Submission:

Labcorp Genetics (formerly Invitae), Labcorp
Classification: Uncertain significance for Very long chain acyl-CoA dehydrogenase deficiency. Last evaluated: 2022-07-12. Review status: criteria provided, single submitter. Criteria: Invitae Variant Classification Sherloc (09022015). Collection method: clinical testing. Allele origin: germline.
Comment: This sequence change falls in intron 4 of the ACADVL gene. It does not directly change the encoded amino acid sequence of the ACADVL protein. It affects a nucleotide within the consensus splice site. This variant is not present in population databases (gnomAD no frequency). This variant has not been reported in the literature in individuals affected with ACADVL-related conditions. ClinVar contains an entry for this variant (Variation ID: 1399662). Variants that disrupt the consensus splice site are a relatively common cause of aberrant splicing (PMID: 17576681, 9536098). Algorithms developed to predict the effect of sequence changes on RNA splicing suggest that this variant may disrupt the consensus splice site. In summary, the available evidence is currently insufficient to determine the role of this variant in disease. Therefore, it has been classified as a Variant of Uncertain Significance.

Literature cited by the submitters: PubMed 17576681; PubMed 9536098.

NM_000018.4(ACADVL):c.277+5G>A

Gene: ACADVL (acyl-CoA dehydrogenase very long chain; plus strand). Cytogenetic location: 17p13.1.
Variant type: single nucleotide variant.
Coding change: c.277+5G>A on transcript NM_000018.4 (MANE Select); 5 bases into the intron after coding-DNA position 277, G replaced by A.
Molecular consequence: intron variant.
Genome position (GRCh38, 1-based): chr17:7,220,681, G>A. VCF-style: chr17-7220681-G-A. GRCh37 (hg19) VCF-style: chr17-7124000-G-A.
Other names: c.346+5G>A (NM_001270447.2); c.49+5G>A (NM_001270448.2); c.211+5G>A (NM_001033859.3).
Identifiers: ClinVar variation 1399662 (VCV001399662.4), dbSNP rs2071160721, ClinGen allele CA2245698732.